The following is an entry in ClinVar:

ClinVar aggregate classification (germline): Likely pathogenic (1 of 4 stars; one submission).

Conditions:
Abetalipoproteinaemia (ABL). Also called: Abetalipoproteinemia; Abetalipoproteinemia neuropathy; Apolipoprotein B deficiency; Congenital betalipoprotein deficiency syndrome; MTP DEFICIENCY. Identifiers: Orphanet 14, MedGen C0000744, MONDO:0008692, OMIM 200100, HP:0008181.

Submission:

Myriad Genetics, Inc.
Classification: Likely pathogenic for Abetalipoproteinaemia. Last evaluated: 2022-03-04. Review status: criteria provided, single submitter. Criteria: Myriad Women's Health Autosomal Recessive and X-Linked Classification Criteria (2021). Collection method: clinical testing. Allele origin: unknown.
Comment: NM_000253.2(MTTP):c.275_276delTG(V92Efs*17) is expected to be pathogenic in the context of abetalipoproteinemia. This variant is predicted to lead to an abnormal or absent protein product due to the creation of a premature termination codon in MTTP, a gene where loss-of-function variants are known to be pathogenic. Please note: this variant was assessed in the context of healthy population screening.

NM_001386140.1(MTTP):c.275_276del (p.Val92fs)

Gene: MTTP (microsomal triglyceride transfer protein; plus strand). Cytogenetic location: 4q23.
Variant type: Microsatellite.
Coding change: c.275_276del on transcript NM_001386140.1 (MANE Select); coding-DNA positions 275 to 276, 2 bases deleted (TG; older notation c.275_276delTG).
Protein change: p.Val92fs; shifts the reading frame from valine 92.
Molecular consequence: frameshift variant.
Genome position (GRCh38, 1-based): chr4:99,583,399-99,583,400, TG deleted; deleting any 2 consecutive bases within chr4:99,583,397-99,583,400 gives the same sequence; the c. name uses the placement nearest the transcript's 3' end. VCF-style (leftmost placement, unchanged base first): chr4-99583396-ATG-A. GRCh37 (hg19) VCF-style: chr4-100504553-ATG-A.
Other names: c.275_276del, p.Val92fs (NM_000253.4); c.26_27del, p.Val9fs (NM_001300785.2); short protein forms V92fs, V9fs.
Identifiers: ClinVar variation 1725004 (VCV001725004.2), dbSNP rs2476090042, ClinGen allele CA2580616120.